The following is an entry in ClinVar:

ClinVar aggregate classification (germline): Likely benign. Review status: criteria provided, multiple submitters, no conflicts (2 of 4 stars). 2 submissions from 2 submitters: Likely benign (2). Last evaluated 2025-05-07.

Conditions:
Charcot-Marie-Tooth disease dominant intermediate B (CMTDIB). Also called: CHARCOT-MARIE-TOOTH NEUROPATHY, DOMINANT INTERMEDIATE B; Charcot-Marie-Tooth disease dominant intermediate 1; CMT DI1; Charcot-Marie-Tooth disease dominant intermediate I. Identifiers: Orphanet 100044, Orphanet 228179, MedGen C1847902, MONDO:0011674, OMIM 606482.

Allele frequency attached by ClinVar (database versions not stated): TOPMed 0.00004.
gnomAD v4.1: 33 of 1,609,776 alleles (0.002%); highest among the groups gnomAD compares: Admixed American, 0.0067%; no homozygotes.

Submissions (2):

Labcorp Genetics (formerly Invitae), Labcorp
Classification: Likely benign for Charcot-Marie-Tooth disease dominant intermediate B. Last evaluated: 2025-05-07. Review status: criteria provided, single submitter. Criteria: Invitae Variant Classification Sherloc (09022015). Collection method: clinical testing. Allele origin: germline.

GeneDx
Classification: Likely benign. Last evaluated: 2017-10-05. Review status: criteria provided, single submitter. Criteria: GeneDx Variant Classification (06012015). Collection method: clinical testing. Allele origin: germline. Affected: yes.
Comment: This variant is considered likely benign or benign based on one or more of the following criteria: it is a conservative change, it occurs at a poorly conserved position in the protein, it is predicted to be benign by multiple in silico algorithms, and/or has population frequency not consistent with disease.

NM_001005361.3(DNM2):c.1782-4G>C

Gene: DNM2 (dynamin 2; plus strand). Cytogenetic location: 19p13.2.
Variant type: single nucleotide variant.
Coding change: c.1782-4G>C on transcript NM_001005361.3 (MANE Select); 4 bases into the intron before coding-DNA position 1782, G replaced by C.
Molecular consequence: intron variant.
Genome position (GRCh38, 1-based): chr19:10,823,784, G>C. VCF-style: chr19-10823784-G-C. GRCh37 (hg19) VCF-style: chr19-10934460-G-C.
Other names: c.1782-4G>C (NM_001005360.3, NM_001190716.2); c.1770-4G>C (NM_004945.4, NM_001005362.3).
Identifiers: ClinVar variation 390439 (VCV000390439.11), dbSNP rs767424969, ClinGen allele CA9201409.